The following is an entry in ClinVar:

ClinVar aggregate classification (germline): Uncertain significance. Review status: criteria provided, multiple submitters, no conflicts (2 of 4 stars). 2 submissions from 2 submitters: Uncertain significance (2). Last evaluated 2026-02-06.

gnomAD v4.1: 7 of 1,614,122 alleles (0.00043%); highest among the groups gnomAD compares: Non-Finnish European, 0.00042%; no homozygotes.

Submissions (2):

Women's Health and Genetics/Laboratory Corporation of America, LabCorp
Classification: Uncertain significance. Last evaluated: 2026-02-06. Review status: criteria provided, single submitter. Criteria: LabCorp Variant Classification Summary - May 2015. Collection method: clinical testing. Allele origin: germline.
Comment: Variant summary: MTOR c.2713A>C (p.Met905Leu) results in a conservative amino acid change in the encoded protein sequence. Algorithms developed to predict the effect of missense changes on protein structure and function are either unavailable or do not agree on the potential impact of this missense change. The variant was absent in 251386 control chromosomes. The available data on variant occurrences in the general population are insufficient to allow any conclusion about variant significance. To our knowledge, no occurrence of c.2713A>C in individuals affected with MTOR-related conditions and no experimental evidence demonstrating its impact on protein function have been reported. ClinVar contains an entry for this variant (Variation ID: 1348141). Based on the evidence outlined above, the variant was classified as uncertain significance.

Labcorp Genetics (formerly Invitae), Labcorp
Classification: Uncertain significance. Last evaluated: 2021-04-23. Review status: criteria provided, single submitter. Criteria: Invitae Variant Classification Sherloc (09022015). Collection method: clinical testing. Allele origin: germline.
Comment: In summary, the available evidence is currently insufficient to determine the role of this variant in disease. Therefore, it has been classified as a Variant of Uncertain Significance. Advanced modeling of protein sequence and biophysical properties (such as structural, functional, and spatial information, amino acid conservation, physicochemical variation, residue mobility, and thermodynamic stability) performed at Invitae indicates that this missense variant is not expected to disrupt MTOR protein function. This variant has not been reported in the literature in individuals with MTOR-related conditions. This variant is not present in population databases (ExAC no frequency). This sequence change replaces methionine with leucine at codon 905 of the MTOR protein (p.Met905Leu). The methionine residue is highly conserved and there is a small physicochemical difference between methionine and leucine.

NM_004958.4(MTOR):c.2713A>C (p.Met905Leu)

Gene: MTOR (mechanistic target of rapamycin kinase; minus strand). Cytogenetic location: 1p36.22.
Variant type: single nucleotide variant.
Coding change: c.2713A>C on transcript NM_004958.4 (MANE Select); coding-DNA position 2713, A replaced by C.
Protein change: p.Met905Leu; replaces methionine 905 with leucine.
Molecular consequence: missense variant.
Genome position (GRCh38, 1-based): chr1:11,230,991, T>G on the plus strand (A>C on the coding strand, the complement: MTOR is on the minus strand). VCF-style: chr1-11230991-T-G. GRCh37 (hg19) VCF-style: chr1-11291048-T-G.
Other names: c.2713A>C, p.Met905Leu (NM_001386500.1); c.1465A>C, p.Met489Leu (NM_001386501.1); short protein forms M489L, M905L.
Identifiers: ClinVar variation 1348141 (VCV001348141.9), dbSNP rs2100866171, ClinGen allele CA338380989.